The following is an entry in ClinVar:

ClinVar aggregate classification (germline): Uncertain significance (1 of 4 stars; one submission).

gnomAD v4.1: 3 of 1,613,922 alleles (0.00019%); highest among the groups gnomAD compares: African/African-American, 0.0027%; no homozygotes.

Submission:

GeneDx
Classification: Uncertain significance. Last evaluated: 2024-07-23. Review status: criteria provided, single submitter. Criteria: GeneDx Variant Classification Process June 2021. Collection method: clinical testing. Allele origin: germline. Affected: yes.
Comment: Not observed at significant frequency in large population cohorts (gnomAD); Canonical splice site variant in a gene or region of a gene for which loss of function is not a well-established mechanism of disease; Has not been previously published as pathogenic or benign to our knowledge

NM_198994.3(TGM6):c.1833+1G>A

Gene: TGM6 (transglutaminase 6; plus strand). Cytogenetic location: 20p13.
Variant type: single nucleotide variant.
Coding change: c.1833+1G>A on transcript NM_198994.3 (MANE Select); the canonical splice donor site of the intron after coding-DNA position 1833, G replaced by A.
Molecular consequence: splice donor variant.
Genome position (GRCh38, 1-based): chr20:2,430,601, G>A. VCF-style: chr20-2430601-G-A. GRCh37 (hg19) VCF-style: chr20-2411247-G-A.
Other names: c.1833+1G>A (NM_001254734.2).
Identifiers: ClinVar variation 3600869 (VCV003600869.1).